The following is an entry in ClinVar:

NM_002430.3(MN1):c.3742T>A (p.Trp1248Arg)

Gene: MN1 (MN1 proto-oncogene, transcriptional regulator; minus strand). Cytogenetic location: 22q12.1.
Variant type: single nucleotide variant.
Coding change: c.3742T>A on transcript NM_002430.3 (MANE Select); coding-DNA position 3742, T replaced by A.
Protein change: p.Trp1248Arg; replaces tryptophan 1248 with arginine.
Molecular consequence: missense variant.
Genome position (GRCh38, 1-based): chr22:27,796,802, A>T on the plus strand (T>A on the coding strand, the complement: MN1 is on the minus strand). VCF-style: chr22-27796802-A-T. GRCh37 (hg19) VCF-style: chr22-28192790-A-T.
Other names: short protein forms W1248R.
Identifiers: ClinVar variation 4991662 (VCV004991662.1).

ClinVar aggregate classification (germline): Uncertain significance (1 of 4 stars; one submission).

Conditions:
MN1-related disorder. Also called: MN1-related condition.

Submission:

PreventionGenetics, part of Exact Sciences
Classification: Uncertain significance for MN1-related condition. Last evaluated: 2026-01-22. Review status: criteria provided, single submitter. Criteria: ACMG Guidelines, 2015. Collection method: clinical testing. Allele origin: germline.
Comment: The MN1 c.3742T>A variant is predicted to result in the amino acid substitution p.Trp1248Arg. To our knowledge, this variant has not been reported in the literature or in a large population database (gnomAD), indicating this variant is rare. At this time, the clinical significance of this variant is uncertain due to the absence of conclusive functional and genetic evidence.